The following is an entry in ClinVar:

NM_001032283.3(TMPO):c.565+2376C>T

Gene: TMPO (thymopoietin; plus strand). Cytogenetic location: 12q23.1.
Variant type: single nucleotide variant.
Coding change: c.565+2376C>T on transcript NM_001032283.3 (MANE Select); 2376 bases into the intron after coding-DNA position 565, C replaced by T.
Molecular consequence: intron variant. On other transcripts: missense variant (1).
Genome position (GRCh38, 1-based): chr12:98,534,214, C>T. VCF-style: chr12-98534214-C-T. GRCh37 (hg19) VCF-style: chr12-98927992-C-T.
Other names: c.1957C>T, p.Leu653Phe (NM_003276.2); c.565+2376C>T (NM_001307975.2, NM_001032284.3); short protein forms L653F.
Identifiers: ClinVar variation 44670 (VCV000044670.23), dbSNP rs202035749, ClinGen allele CA134817.

ClinVar aggregate classification (germline): Benign/Likely benign. Review status: criteria provided, multiple submitters, no conflicts (2 of 4 stars). 7 submissions from 7 submitters: Benign (1); Likely benign (6). Last evaluated 2025-12-20.

Conditions:
Long QT syndrome (LQTS). Identifiers: MedGen C0023976, MeSH D008133, MONDO:0002442. Disease mechanism: loss of function. Inheritance: Various modes of inheritance.
Arrhythmogenic right ventricular cardiomyopathy (ARVD). Also called: Arrhythmogenic right ventricular dysplasia; Arrhythmogenic cardiomyopathy; Arrhythmogenic Right Ventricular Cardiomyopathy (ARVC); Cardiomyopathy, ARVC. Identifiers: Orphanet 247, MedGen C0349788, MeSH D019571, MONDO:0016587. Disease mechanism: loss of function. Inheritance: Various modes of inheritance.
Loeys-Dietz syndrome 2 (LDS2). Also called: Marfan syndrome, type 2 (formerly); AORTIC ANEURYSM, FAMILIAL THORACIC 3; MARFAN SYNDROME, TYPE II; Marfan Syndrome type 2; Marfan like connective tissue disorder; MFS 2. Identifiers: Orphanet 284973, Orphanet 558, MedGen C2674574, MONDO:0012427, OMIM 610168.

Allele frequency attached by ClinVar (database versions not stated): gnomAD 0.00015 and 0.00030; TOPMed 0.00018; gnomAD exomes 0.00052; ExAC 0.00059; 1000 Genomes Project 30x 0.00078; 1000 Genomes Project 0.00100.
gnomAD v4.1: 514 of 1,613,966 alleles (0.032%); highest among the groups gnomAD compares: South Asian, 0.31%; 2 homozygotes.

Submissions (7):

Labcorp Genetics (formerly Invitae), Labcorp
Classification: Likely benign for Loeys-Dietz syndrome 2. Last evaluated: 2025-12-20. Review status: criteria provided, single submitter. Criteria: Invitae Variant Classification Sherloc (09022015). Collection method: clinical testing. Allele origin: germline.

Dept of Medical Biology, Uskudar University
Classification: Benign for Long QT syndrome. Last evaluated: 2024-01-08. Review status: criteria provided, single submitter. Criteria: Dept of Medical Biology Variant Classification. Collection method: research. Allele origin: paternal. Affected: yes. Observed: 1 variant allele.
Comment: Criteria: BS1, BS2

Women's Health and Genetics/Laboratory Corporation of America, LabCorp
Classification: Likely benign. Last evaluated: 2023-03-01. Review status: criteria provided, single submitter. Criteria: LabCorp Variant Classification Summary - May 2015. Collection method: clinical testing. Allele origin: germline.

Laboratory for Molecular Medicine, Mass General Brigham Personalized Medicine
Classification: Likely benign. Last evaluated: 2021-01-26. Review status: criteria provided, single submitter. Criteria: LMM Criteria. Collection method: clinical testing. Allele origin: germline. Observed: 1 variant allele.
Comment: The p.Leu653Phe variant in TMPO is classified as likely benign because it has been identified in 0.3% (88/30610) of South Asian chromosomes, including 1 homozygote, and in 0.03% (43/128824) of European chromosomes by gnomAD. Computational prediction tools and conservation analyses do not provide strong support for or against an impact to the protein. ACMG/AMP Criteria applied: BS1.

Center for Advanced Laboratory Medicine, UC San Diego Health, University of California San Diego
Classification: Likely benign for Arrhythmogenic right ventricular cardiomyopathy. Last evaluated: 2019-03-18. Review status: criteria provided, single submitter. Criteria: ACMG Guidelines, 2015. Collection method: clinical testing. Allele origin: germline. Affected: yes. Observed: 1 variant allele.

GeneDx
Classification: Likely benign. Last evaluated: 2018-05-16. Review status: criteria provided, single submitter. Criteria: GeneDx Variant Classification (06012015). Collection method: clinical testing. Allele origin: germline. Affected: yes.
Comment: This variant is considered likely benign or benign based on one or more of the following criteria: it is a conservative change, it occurs at a poorly conserved position in the protein, it is predicted to be benign by multiple in silico algorithms, and/or has population frequency not consistent with disease.

Breakthrough Genomics
Classification: Likely benign. Review status: criteria provided, single submitter. Criteria: ACMG Guidelines, 2015. Collection method: not provided. Allele origin: germline. Inheritance: Unknown mechanism. Affected: yes.